The following is an entry in ClinVar:

NM_001184.4(ATR):c.3457A>T (p.Asn1153Tyr)

Gene: ATR (ATR checkpoint kinase; minus strand). Cytogenetic location: 3q23.
Variant type: single nucleotide variant.
Coding change: c.3457A>T on transcript NM_001184.4 (MANE Select); coding-DNA position 3457, A replaced by T.
Protein change: p.Asn1153Tyr; replaces asparagine 1153 with tyrosine.
Molecular consequence: missense variant.
Genome position (GRCh38, 1-based): chr3:142,541,028, T>A on the plus strand (A>T on the coding strand, the complement: ATR is on the minus strand). VCF-style: chr3-142541028-T-A. GRCh37 (hg19) VCF-style: chr3-142259870-T-A.
Other names: c.3265A>T, p.Asn1089Tyr (NM_001354579.2); short protein forms N1089Y, N1153Y.
Identifiers: ClinVar variation 3331065 (VCV003331065.2).

ClinVar aggregate classification (germline): Uncertain significance. Review status: criteria provided, multiple submitters, no conflicts (2 of 4 stars). 2 submissions from 2 submitters: Uncertain significance (2). Last evaluated 2024-08-26.

Conditions:
Inborn genetic diseases. Identifiers: MedGen C0950123, MeSH D030342.

gnomAD v4.1: 1 of 1,613,632 alleles (0.000062%); highest among the groups gnomAD compares: Non-Finnish European, 0.000085%; no homozygotes.

Submissions (2):

Blueprint Genetics
Classification: Uncertain significance. Last evaluated: 2024-08-26. Review status: criteria provided, single submitter. Criteria: ACMG Guidelines, 2015. Collection method: clinical testing. Allele origin: germline.

Ambry Genetics
Classification: Uncertain significance for Inborn genetic diseases. Last evaluated: 2024-06-22. Review status: criteria provided, single submitter. Criteria: Ambry Variant Classification Scheme 2023. Collection method: clinical testing. Allele origin: germline.
Comment: The p.N1153Y variant (also known as c.3457A>T), located in coding exon 18 of the ATR gene, results from an A to T substitution at nucleotide position 3457. The asparagine at codon 1153 is replaced by tyrosine, an amino acid with dissimilar properties. This amino acid position is conserved. In addition, this alteration is predicted to be tolerated by in silico analysis. Based on the available evidence, the clinical significance of this variant remains unclear.